The following is an entry in ClinVar:

ClinVar aggregate classification (germline): Pathogenic/Likely pathogenic. Review status: criteria provided, multiple submitters, no conflicts (2 of 4 stars). 6 submissions from 6 submitters: Pathogenic (5); Likely pathogenic (1). Last evaluated 2025-07-27.

Conditions:
TTN-related disorder. Also called: TTN-related disorders; TTN-related condition; TTN-related disease.
Cardiovascular phenotype. Identifiers: MedGen CN230736.
Dilated cardiomyopathy 1G (CMD1G). Identifiers: Orphanet 154, MedGen C1858763, MONDO:0011400, OMIM 604145.
Autosomal recessive limb-girdle muscular dystrophy type 2J (LGMDR10). Also called: MUSCULAR DYSTROPHY, LIMB-GIRDLE, AUTOSOMAL RECESSIVE 10; Limb-girdle muscular dystrophy, type 2J. Identifiers: Orphanet 140922, MedGen C1837342, MONDO:0012127, OMIM 608807.
Primary dilated cardiomyopathy (DCM). Also called: Dilated Cardiomyopathy. Identifiers: Orphanet 217604, MedGen C0007193, MeSH D002311, MONDO:0005021, HP:0001644. Inheritance: Various modes of inheritance.

Allele frequency attached by ClinVar (database versions not stated): gnomAD 0.00001; TOPMed 0.00001; gnomAD exomes below 0.00001.
gnomAD v4.1: 4 of 1,612,288 alleles (0.00025%); highest among the groups gnomAD compares: Non-Finnish European, 0.00034%; no homozygotes.

Submissions (6):

Labcorp Genetics (formerly Invitae), Labcorp
Classification: Pathogenic for Dilated cardiomyopathy 1G; Autosomal recessive limb-girdle muscular dystrophy type 2J. Last evaluated: 2025-07-27. Review status: criteria provided, single submitter. Criteria: Invitae Variant Classification Sherloc (09022015). Collection method: clinical testing. Allele origin: germline.
Comment: This sequence change creates a premature translational stop signal (p.Arg16724*) in the TTN gene. While this is not anticipated to result in nonsense mediated decay, it is expected to create a truncated TTN protein. This variant is not present in population databases (gnomAD no frequency). This premature translational stop signal has been observed in individual(s) with clinical features of limb-girdle muscular dystrophy or dilated cardiomyopathy (PMID: 25163546, 25589632, 28877744). It has also been observed to segregate with disease in related individuals. ClinVar contains an entry for this variant (Variation ID: 202378). This variant is located in the A band of TTN (PMID: 25589632). Truncating variants in this region are significantly overrepresented in patients affected with dilated cardiomyopathy (PMID: 25589632). Truncating variants in this region have also been reported in individuals affected with autosomal recessive centronuclear myopathy (PMID: 23975875). For these reasons, this variant has been classified as Pathogenic.

GeneDx
Classification: Pathogenic. Last evaluated: 2025-03-17. Review status: criteria provided, single submitter. Criteria: GeneDx Variant Classification Process June 2021. Collection method: clinical testing. Allele origin: germline. Affected: yes.
Comment: Reported in several individuals with DCM and in one case of early-onset atrial fibrillation (PMID: 25163546, 25589632, 31931689, 31983221, 30333491); Not observed at significant frequency in large population cohorts (gnomAD); Nonsense variant predicted to result in protein truncation or nonsense mediated decay in a gene for which loss of function is a known mechanism of disease; This variant is associated with the following publications: (PMID: 30333491, 31931689, 31983221, 25589632, 37652022, 25163546, 38438525, 36264615, 28877744, 22335739, 32778822)

Blueprint Genetics
Classification: Pathogenic for TTN-related disorders. Last evaluated: 2023-09-13. Review status: criteria provided, single submitter. Criteria: ACMG Guidelines, 2015. Collection method: clinical testing. Allele origin: germline. Affected: yes. Observed: 2 variant alleles.

Ambry Genetics
Classification: Pathogenic for Cardiovascular phenotype. Last evaluated: 2022-11-23. Review status: criteria provided, single submitter. Criteria: Ambry Variant Classification Scheme 2023. Collection method: clinical testing. Allele origin: germline.
Comment: The p.R7659* pathogenic mutation (also known as c.22975C>T), located in coding exon 93 of the TTN gene, results from a C to T substitution at nucleotide position 22975. This changes the amino acid from an arginine to a stop codon within coding exon 93. This exon is located in the A-band region of the N2-B isoform of the titin protein and is constitutively expressed in TTN transcripts (percent spliced in or PSI 100%). This variant (also referred to as p.R16724X and p.R7851X) has been detected in individuals from dilated cardiomyopathy (DCM) cohorts (Roberts AM et al. Sci Transl Med, 2015 Jan;7:270ra6; Haas J et al. Eur Heart J, 2015 May;36:1123-35a). This variant is considered to be rare based on population cohorts in the Genome Aggregation Database (gnomAD). This alteration is expected to result in loss of function by premature protein truncation or nonsense-mediated mRNA decay. While truncating variants in TTN are present in 1-3% of the general population, truncating variants in the A-band are the most common cause of DCM (Herman DS et al. N. Engl. J. Med., 2012 Feb;366:619-28; Roberts AM et al. Sci Transl Med, 2015 Jan;7:270ra6). TTN truncating variants encoded in constitutive exons (PSI >90%) have been found to be significantly associated with DCM regardless of their position in titin (Schafer S et al. Nat. Genet., 2017 01;49:46-53). Based on the supporting evidence, this alteration is interpreted as a disease-causing mutation.

Cardiovascular Biomedical Research Unit, Royal Brompton & Harefield NHS Foundation Trust
Classification: Likely pathogenic for Primary dilated cardiomyopathy. Last evaluated: 2014-10-08. Review status: criteria provided, single submitter. Criteria: Roberts et al. 2015. Collection method: research. Allele origin: germline. Inheritance: Autosomal dominant inheritance. Affected: yes. Observed: 3 variant alleles. Study: Unselected DCM.
Comment: This TTN truncating variant (TTNtv) was identified in three individuals in this cohort and is located in an exon that is highly expressed in the heart. In the seven cohorts assessed, TTNtv were found in 14% of ambulant DCM, 22% end-stage or familial DCM, and 2% controls. Heterozygous nonsense, frameshift and canonical splice-disrupting variants found in constitutive and other highly utilised exons are highly likely to be pathogenic when identified in individuals with phenotypically confirmed DCM. TTNtv found incidentally in healthy individuals (excluding familial assessment of DCM relatives) are thought to have low penetrance, particularly when identified in exons that are not constitutively expressed in the heart.

Juno Genomics, Hangzhou Juno Genomics, Inc
Classification: Pathogenic for Dilated cardiomyopathy 1G. Review status: criteria provided, single submitter. Criteria: ACMG Guidelines, 2015. Collection method: clinical testing. Allele origin: germline.
Comment: Absent from controls (or at extremely low frequency if recessive) in Genome Aggregation Database.;Null variant in a gene where loss of function (LOF) is a known mechanism of disease.;The prevalence of the variant in affected individuals is significantly increased compared to the prevalence in controls.

Literature cited by the submitters: PubMed 25163546 (cited by Labcorp Genetics (formerly Invitae), Labcorp and Ambry Genetics); PubMed 25589632 (cited by Labcorp Genetics (formerly Invitae), Labcorp and Ambry Genetics); PubMed 28877744 (cited by Labcorp Genetics (formerly Invitae), Labcorp); PubMed 23975875 (cited by Labcorp Genetics (formerly Invitae), Labcorp).

NM_001267550.2(TTN):c.50170C>T (p.Arg16724Ter)

Genes: TTN (titin; minus strand), TTN-AS1 (TTN antisense RNA 1; plus strand). Cytogenetic location: 2q31.2.
Variant type: single nucleotide variant.
Coding change: c.50170C>T on transcript NM_001267550.2 (MANE Select); coding-DNA position 50170, C replaced by T.
Protein change: p.Arg16724Ter; replaces arginine 16724 with a stop codon.
Molecular consequence: nonsense.
Genome position (GRCh38, 1-based): chr2:178,612,355, G>A on the plus strand (C>T on the coding strand, the complement: TTN is on the minus strand). VCF-style: chr2-178612355-G-A. GRCh37 (hg19) VCF-style: chr2-179477082-G-A.
Other names: p.R15083*:CGA>TGA; c.45247C>T, p.Arg15083Ter (NM_001256850.1); c.22975C>T, p.Arg7659Ter (NM_003319.4); c.42466C>T, p.Arg14156Ter (NM_133378.4); c.23350C>T, p.Arg7784Ter (NM_133432.3); c.23551C>T, p.Arg7851Ter (NM_133437.4); c.50170C>T (LRG_391t1); short protein forms R15083*, R16724*, R7851*, R14156*, R7784*, R7659*.
Identifiers: ClinVar variation 202378 (VCV000202378.22), dbSNP rs794729265, ClinGen allele CA309241.